The following is an entry in ClinVar:

ClinVar aggregate classification (germline): Uncertain significance. Review status: criteria provided, multiple submitters, no conflicts (2 of 4 stars). 2 submissions from 2 submitters: Uncertain significance (2). Last evaluated 2025-08-07.

Conditions:
Inborn genetic diseases. Identifiers: MedGen C0950123, MeSH D030342.
Osteogenesis imperfecta type 13. Also called: OI, TYPE XIII; Osteogenesis imperfecta, type xiii. Identifiers: Orphanet 666, MedGen C3553887, MONDO:0013924, OMIM 614856.

gnomAD v4.1: 58 of 1,613,822 alleles (0.0036%); highest among the groups gnomAD compares: Non-Finnish European, 0.0047%; no homozygotes.

Submissions (2):

First Genomix Gene Laboratory, Genetic Diagnostics Department
Classification: Uncertain significance for Osteogenesis imperfecta type 13. Last evaluated: 2025-08-07. Review status: criteria provided, single submitter. Criteria: ACMG Guidelines, 2015. Collection method: clinical testing. Allele origin: germline. Inheritance: Autosomal recessive inheritance. Affected: no. Observed: 1 variant allele.

Ambry Genetics
Classification: Uncertain significance for Inborn genetic diseases. Last evaluated: 2024-11-25. Review status: criteria provided, single submitter. Criteria: Ambry Variant Classification Scheme 2023. Collection method: clinical testing. Allele origin: germline.

NM_006129.5(BMP1):c.1883G>A (p.Arg628His)

Gene: BMP1 (bone morphogenetic protein 1; plus strand). Cytogenetic location: 8p21.3.
Variant type: single nucleotide variant.
Coding change: c.1883G>A on transcript NM_006129.5 (MANE Select); coding-DNA position 1883, G replaced by A.
Protein change: p.Arg628His; replaces arginine 628 with histidine.
Molecular consequence: missense variant. On other transcripts: non-coding transcript variant (2).
Genome position (GRCh38, 1-based): chr8:22,196,797, G>A. VCF-style: chr8-22196797-G-A. GRCh37 (hg19) VCF-style: chr8-22054310-G-A.
Other names: c.1883G>A, p.Arg628His (NM_001199.4); short protein forms R628H.
Identifiers: ClinVar variation 3481102 (VCV003481102.2).
Genomic context (GRCh38, chr8:22,196,797, plus strand): 5'-CCAAGGAGTACCCCCCCAACAAGAACTGCATCTGGCAGCTGGTGGCCCCCACCCAGTACC[G>A]CATCTCCCTGCAGTTTGACTTCTTTGAGACAGAGGGCAATGATGTAAGTGCCCACCAGGG-3'
Protein context (NP_006120.1, residues 618-638): IWQLVAPTQY[Arg628His]ISLQFDFFET